The following is an entry in ClinVar:

NM_001024845.3(SLC6A9):c.779G>A (p.Arg260His)

Gene: SLC6A9 (solute carrier family 6 member 9; minus strand). Cytogenetic location: 1p34.1.
Variant type: single nucleotide variant.
Coding change: c.779G>A on transcript NM_001024845.3 (MANE Select); coding-DNA position 779, G replaced by A.
Protein change: p.Arg260His; replaces arginine 260 with histidine.
Molecular consequence: missense variant. On other transcripts: non-coding transcript variant (1).
Genome position (GRCh38, 1-based): chr1:44,002,591, C>T on the plus strand (G>A on the coding strand, the complement: SLC6A9 is on the minus strand). VCF-style: chr1-44002591-C-T. GRCh37 (hg19) VCF-style: chr1-44468263-C-T.
Other names: c.791G>A, p.Arg264His (NM_001261380.2); c.446G>A, p.Arg149His (NM_001328626.2, NM_001328630.2); c.716G>A, p.Arg239His (NM_001328627.1); c.584G>A, p.Arg195His (NM_001328628.1); c.779G>A, p.Arg260His (NM_001328629.1); c.836G>A, p.Arg279His (NM_006934.4); c.998G>A, p.Arg333His (NM_201649.4); short protein forms R279H, R333H, R195H, R260H, R149H, R239H, R264H.
Identifiers: ClinVar variation 1921295 (VCV001921295.6), dbSNP rs1169543958, ClinGen allele CA340069743.

ClinVar aggregate classification (germline): Uncertain significance. Review status: criteria provided, multiple submitters, no conflicts (2 of 4 stars). 2 submissions from 2 submitters: Uncertain significance (2). Last evaluated 2023-08-24.

Conditions:
Atypical glycine encephalopathy. Also called: Glycine encephalopathy with normal serum glycine. Identifiers: Orphanet 289863, MedGen C4310943, MONDO:0015010, OMIM 617301.

Allele frequency attached by ClinVar (database versions not stated): gnomAD exomes below 0.00001; gnomAD 0.00001; TOPMed 0.00001.
gnomAD v4.1: 6 of 1,613,964 alleles (0.00037%); highest among the groups gnomAD compares: Admixed American, 0.0017%; no homozygotes.

Submissions (2):

ARUP Laboratories, Molecular Genetics and Genomics, ARUP Laboratories
Classification: Uncertain significance for Atypical glycine encephalopathy. Last evaluated: 2023-08-24. Review status: criteria provided, single submitter. Criteria: ARUP Molecular Germline Variant Investigation Process 2024. Collection method: clinical testing. Allele origin: germline.

Labcorp Genetics (formerly Invitae), Labcorp
Classification: Uncertain significance for Atypical glycine encephalopathy. Last evaluated: 2023-06-29. Review status: criteria provided, single submitter. Criteria: Invitae Variant Classification Sherloc (09022015). Collection method: clinical testing. Allele origin: germline.
Comment: This variant is not present in population databases (gnomAD no frequency). In summary, the available evidence is currently insufficient to determine the role of this variant in disease. Therefore, it has been classified as a Variant of Uncertain Significance. An algorithm developed to predict the effect of missense changes on protein structure and function (PolyPhen-2) suggests that this variant is likely to be disruptive. ClinVar contains an entry for this variant (Variation ID: 1921295). This variant has not been reported in the literature in individuals affected with SLC6A9-related conditions. This sequence change replaces arginine, which is basic and polar, with histidine, which is basic and polar, at codon 333 of the SLC6A9 protein (p.Arg333His).